The following is an entry in ClinVar:

NM_006031.6(PCNT):c.3034T>G (p.Leu1012Val)

Gene: PCNT (pericentrin; plus strand). Cytogenetic location: 21q22.3.
Variant type: single nucleotide variant.
Coding change: c.3034T>G on transcript NM_006031.6 (MANE Select); coding-DNA position 3034, T replaced by G.
Protein change: p.Leu1012Val; replaces leucine 1012 with valine.
Molecular consequence: missense variant.
Genome position (GRCh38, 1-based): chr21:46,367,008, T>G. VCF-style: chr21-46367008-T-G. GRCh37 (hg19) VCF-style: chr21-47786923-T-G.
Other names: c.2680T>G, p.Leu894Val (NM_001315529.2); short protein forms L1012V, L894V.
Identifiers: ClinVar variation 3652726 (VCV003652726.2).

ClinVar aggregate classification (germline): Uncertain significance (1 of 4 stars; one submission).

gnomAD v4.1: 1 of 1,614,148 alleles (0.000062%); highest among the groups gnomAD compares: Non-Finnish European, 0.000085%; no homozygotes.

Submission:

Labcorp Genetics (formerly Invitae), Labcorp
Classification: Uncertain significance. Last evaluated: 2024-05-27. Review status: criteria provided, single submitter. Criteria: Invitae Variant Classification Sherloc (09022015). Collection method: clinical testing. Allele origin: germline.
Comment: This sequence change replaces leucine, which is neutral and non-polar, with valine, which is neutral and non-polar, at codon 1012 of the PCNT protein (p.Leu1012Val). This variant is present in population databases (rs758467830, gnomAD 0.0009%). This variant has not been reported in the literature in individuals affected with PCNT-related conditions. An algorithm developed to predict the effect of missense changes on protein structure and function (PolyPhen-2) suggests that this variant is likely to be disruptive. In summary, the available evidence is currently insufficient to determine the role of this variant in disease. Therefore, it has been classified as a Variant of Uncertain Significance.